The following is an entry in ClinVar:

ClinVar aggregate classification (germline): Uncertain significance (1 of 4 stars; one submission).

Conditions:
Hereditary cancer-predisposing syndrome. Also called: Tumor predisposition; Hereditary Cancer Syndrome; Hereditary neoplastic syndrome; Neoplastic Syndromes, Hereditary. Identifiers: Orphanet 140162, MedGen C0027672, MeSH D009386, MONDO:0015356.

gnomAD v4.1: 1 of 1,614,126 alleles (0.000062%); highest among the groups gnomAD compares: Non-Finnish European, 0.000085%; no homozygotes.

Submission:

Ambry Genetics
Classification: Uncertain significance for Hereditary cancer-predisposing syndrome. Last evaluated: 2024-06-08. Review status: criteria provided, single submitter. Criteria: Ambry Variant Classification Scheme 2023. Collection method: clinical testing. Allele origin: germline.
Comment: The p.F258S variant (also known as c.773T>C), located in coding exon 1 of the MET gene, results from a T to C substitution at nucleotide position 773. The phenylalanine at codon 258 is replaced by serine, an amino acid with highly dissimilar properties. This amino acid position is conserved. In addition, the in silico prediction for this alteration is inconclusive. Based on the available evidence, the clinical significance of this variant remains unclear.

NM_000245.4(MET):c.773T>C (p.Phe258Ser)

Gene: MET (MET proto-oncogene, receptor tyrosine kinase; plus strand). Cytogenetic location: 7q31.2.
Variant type: single nucleotide variant.
Coding change: c.773T>C on transcript NM_000245.4 (MANE Select); coding-DNA position 773, T replaced by C.
Protein change: p.Phe258Ser; replaces phenylalanine 258 with serine.
Molecular consequence: missense variant. On other transcripts: intron variant (1).
Genome position (GRCh38, 1-based): chr7:116,699,857, T>C. VCF-style: chr7-116699857-T-C. GRCh37 (hg19) VCF-style: chr7-116339911-T-C.
Other names: c.773T>C, p.Phe258Ser (NM_001127500.3, NM_001324401.3); c.-91+27280T>C (NM_001324402.2); short protein forms F258S.
Identifiers: ClinVar variation 3294379 (VCV003294379.1).